The following is an entry in ClinVar:

NM_000143.4(FH):c.1358T>C (p.Leu453Pro)

Gene: FH (fumarate hydratase; minus strand). Cytogenetic location: 1q43.
Variant type: single nucleotide variant.
Coding change: c.1358T>C on transcript NM_000143.4 (MANE Select); coding-DNA position 1358, T replaced by C.
Protein change: p.Leu453Pro; replaces leucine 453 with proline.
Molecular consequence: missense variant.
Genome position (GRCh38, 1-based): chr1:241,500,469, A>G on the plus strand (T>C on the coding strand, the complement: FH is on the minus strand). VCF-style: chr1-241500469-A-G. GRCh37 (hg19) VCF-style: chr1-241663769-A-G.
Other names: short protein forms L453P.
Identifiers: ClinVar variation 1324399 (VCV001324399.12), dbSNP rs2147913041, ClinGen allele CA345436410.

ClinVar aggregate classification (germline): Pathogenic/Likely pathogenic. Review status: criteria provided, multiple submitters, no conflicts (2 of 4 stars). 2 submissions from 2 submitters: Pathogenic (1); Likely pathogenic (1). Last evaluated 2025-06-23.

Conditions:
Fumarase deficiency (FMRD). Also called: Fumarate Hydratase Deficiency; Fumaric aciduria. Identifiers: Orphanet 24, MedGen C0342770, MONDO:0011730, OMIM 606812.

Submissions (2):

Labcorp Genetics (formerly Invitae), Labcorp
Classification: Pathogenic. Last evaluated: 2025-06-23. Review status: criteria provided, single submitter. Criteria: Invitae Variant Classification Sherloc (09022015). Collection method: clinical testing. Allele origin: germline.
Comment: This sequence change replaces leucine, which is neutral and non-polar, with proline, which is neutral and non-polar, at codon 453 of the FH protein (p.Leu453Pro). This variant is not present in population databases (gnomAD no frequency). This missense change has been observed in individual(s) with autosomal recessive fumarate hydratase deficiency (PMID: 21560188). ClinVar contains an entry for this variant (Variation ID: 1324399). Invitae Evidence Modeling of protein sequence and biophysical properties (such as structural, functional, and spatial information, amino acid conservation, physicochemical variation, residue mobility, and thermodynamic stability) indicates that this missense variant is expected to disrupt FH protein function with a positive predictive value of 95%. For these reasons, this variant has been classified as Pathogenic.

Biomedical Genomics and Oncogenetics Laboratory, Institut Pasteur de Tunis, University Tunis El Manar
Classification: Likely pathogenic for Fumarase deficiency. Last evaluated: 2023-01-15. Review status: criteria provided, single submitter. Criteria: ACMG Guidelines, 2015. Collection method: research. Allele origin: germline. Affected: yes. Observed: 3 variant alleles.

Literature cited by the submitters: PubMed 21560188 (cited by Labcorp Genetics (formerly Invitae), Labcorp and Biomedical Genomics and Oncogenetics Laboratory, Institut Pasteur de Tunis, University Tunis El Manar).